The following is an entry in ClinVar:

NM_001283009.2(RTEL1):c.2935C>T (p.Arg979Trp)

Genes: RTEL1 (regulator of telomere elongation helicase 1; plus strand), RTEL1-TNFRSF6B (RTEL1-TNFRSF6B readthrough (NMD candidate); plus strand). Cytogenetic location: 20q13.33.
Variant type: single nucleotide variant.
Coding change: c.2935C>T on transcript NM_001283009.2 (MANE Select); coding-DNA position 2935, C replaced by T.
Protein change: p.Arg979Trp; replaces arginine 979 with tryptophan.
Molecular consequence: missense variant. On other transcripts: non-coding transcript variant (1).
Genome position (GRCh38, 1-based): chr20:63,693,226, C>T. VCF-style: chr20-63693226-C-T. GRCh37 (hg19) VCF-style: chr20-62324579-C-T.
Other names: c.2266C>T, p.Arg756Trp (NM_001283010.1); c.2935C>T, p.Arg979Trp (NM_016434.4); c.3007C>T, p.Arg1003Trp (NM_032957.5); c.2935C>T (NM_001283009.1); short protein forms R979W, R1003W, R756W.
Identifiers: ClinVar variation 1368210 (VCV001368210.11), dbSNP rs144034326, ClinGen allele CA9965663.
Genomic context (GRCh38, chr20:63,693,226, plus strand): 5'-CACCATAAGCAGCAGTTTGAGGAGGTCTGTATCCAGCTGACAGGACGAGGCTGTGGCTAT[C>T]GGCCTGAGCACAGCATTCCCCGAAGGCAGCGGGCACAGCCGGTCCTGGACCCCACTGGTA-3'
Protein context (NP_001269938.1, residues 969-989): IQLTGRGCGY[Arg979Trp]PEHSIPRRQR

ClinVar aggregate classification (germline): Uncertain significance. Review status: criteria provided, multiple submitters, no conflicts (2 of 4 stars). 5 submissions from 5 submitters: Uncertain significance (5). Last evaluated 2026-01-23.

Conditions:
Dyskeratosis congenita, autosomal recessive 5 (DKCB5). Identifiers: MedGen C3554656, MONDO:0014076, OMIM 615190.
Pulmonary fibrosis and/or bone marrow failure, Telomere-related, 3. Also called: PULMONARY FIBROSIS AND/OR BONE MARROW FAILURE SYNDROME, TELOMERE-RELATED, 3. Identifiers: Orphanet 2032, MedGen C4225346, MONDO:0014613, OMIM 616373.

Allele frequency attached by ClinVar (database versions not stated): ESP Exome Variant Server 0.00008; gnomAD 0.00009; ExAC 0.00011; TOPMed 0.00013; 1000 Genomes Project 30x 0.00016; 1000 Genomes Project 0.00020.
gnomAD v4.1: 140 of 1,612,110 alleles (0.0087%); highest among the groups gnomAD compares: Middle Eastern, 0.033%; no homozygotes.

Submissions (5):

Labcorp Genetics (formerly Invitae), Labcorp
Classification: Uncertain significance for Dyskeratosis congenita, autosomal recessive 5; Pulmonary fibrosis and/or bone marrow failure, Telomere-related, 3. Last evaluated: 2026-01-23. Review status: criteria provided, single submitter. Criteria: Invitae Variant Classification Sherloc (09022015). Collection method: clinical testing. Allele origin: germline.
Comment: This sequence change replaces arginine, which is basic and polar, with tryptophan, which is neutral and slightly polar, at codon 979 of the RTEL1 protein (p.Arg979Trp). This variant is present in population databases (rs144034326, gnomAD 0.02%). This variant has not been reported in the literature in individuals affected with RTEL1-related conditions. ClinVar contains an entry for this variant (Variation ID: 1368210). An algorithm developed to predict the effect of missense changes on protein structure and function outputs the following: PolyPhen-2: "Benign". The tryptophan amino acid residue is found in multiple mammalian species, which suggests that this missense change does not adversely affect protein function. In summary, the available evidence is currently insufficient to determine the role of this variant in disease. Therefore, it has been classified as a Variant of Uncertain Significance.

GeneDx
Classification: Uncertain significance. Last evaluated: 2025-12-05. Review status: criteria provided, single submitter. Criteria: GeneDx Variant Classification Process June 2021. Collection method: clinical testing. Allele origin: germline.
Comment: Observed in an individual with breast cancer, but also identified in controls (PMID: 30303537); In silico analysis supports that this missense variant has a deleterious effect on protein structure/function; This variant is associated with the following publications: (PMID: 29344583, 25848748, 30303537)

Fulgent Genetics
Classification: Uncertain significance for Dyskeratosis congenita, autosomal recessive 5; Pulmonary fibrosis and/or bone marrow failure, Telomere-related, 3. Last evaluated: 2024-02-17. Review status: criteria provided, single submitter. Criteria: ACMG Guidelines, 2015. Collection method: clinical testing. Allele origin: germline.

Blueprint Genetics
Classification: Uncertain significance. Last evaluated: 2023-11-02. Review status: criteria provided, single submitter. Criteria: ACMG Guidelines, 2015. Collection method: clinical testing. Allele origin: germline.

Johns Hopkins Genomics, Johns Hopkins University
Classification: Uncertain significance for Dyskeratosis congenita, autosomal recessive 5. Last evaluated: 2023-05-16. Review status: criteria provided, single submitter. Criteria: ACMG Guidelines, 2015. Collection method: clinical testing. Allele origin: germline.
Comment: This RTEL1 missense variant (rs144034326) is rare (<0.1%) in a large population dataset (gnomAD v2.1.1: 29/280396 total alleles; 0.01%; no homozygotes). It has been reported in ClinVar (Variation ID 1368210), but has not been reported in the literature, to our knowledge. Of two bioinformatic tools queried, one predicts that this substitution would be tolerated, while the other predicts that it would be damaging. The arginine residue at this position is evolutionarily conserved across very few species assessed, and most species have a different amino acid at this position, including two species with tryptophan. We consider the clinical significance of c.2935C>T; p.Arg979Trp in RTEL1 to be uncertain at this time.

Literature cited by the submitters: PubMed 25848748 (cited by Johns Hopkins Genomics, Johns Hopkins University); PubMed 29344583 (cited by Johns Hopkins Genomics, Johns Hopkins University).